The following is an entry in ClinVar:

ClinVar aggregate classification (germline): Uncertain significance (1 of 4 stars; one submission).

Conditions:
Charcot-Marie-Tooth disease type 2. Also called: Charcot-Marie-Tooth type 2. Identifiers: Orphanet 64746, MedGen C0270914, MONDO:0018993.

Submission:

Labcorp Genetics (formerly Invitae), Labcorp
Classification: Uncertain significance for Charcot-Marie-Tooth disease type 2. Last evaluated: 2024-01-01. Review status: criteria provided, single submitter. Criteria: Invitae Variant Classification Sherloc (09022015). Collection method: clinical testing. Allele origin: germline.
Comment: This sequence change replaces isoleucine, which is neutral and non-polar, with threonine, which is neutral and polar, at codon 579 of the AARS protein (p.Ile579Thr). This variant is not present in population databases (gnomAD no frequency). This variant has not been reported in the literature in individuals affected with AARS-related conditions. Advanced modeling of protein sequence and biophysical properties (such as structural, functional, and spatial information, amino acid conservation, physicochemical variation, residue mobility, and thermodynamic stability) performed at Invitae indicates that this missense variant is not expected to disrupt AARS protein function with a negative predictive value of 95%. In summary, the available evidence is currently insufficient to determine the role of this variant in disease. Therefore, it has been classified as a Variant of Uncertain Significance.

NM_001605.3(AARS1):c.1736T>C (p.Ile579Thr)

Gene: AARS1 (alanyl-tRNA synthetase 1; minus strand). Cytogenetic location: 16q22.1.
Variant type: single nucleotide variant.
Coding change: c.1736T>C on transcript NM_001605.3 (MANE Select); coding-DNA position 1736, T replaced by C.
Protein change: p.Ile579Thr; replaces isoleucine 579 with threonine.
Molecular consequence: missense variant.
Genome position (GRCh38, 1-based): chr16:70,261,093, A>G on the plus strand (T>C on the coding strand, the complement: AARS1 is on the minus strand). VCF-style: chr16-70261093-A-G. GRCh37 (hg19) VCF-style: chr16-70294996-A-G.
Other names: short protein forms I579T.
Identifiers: ClinVar variation 2706920 (VCV002706920.3), dbSNP rs2507000823, ClinGen allele CA396559363.